The following is an entry in ClinVar:

ClinVar aggregate classification (germline): Benign. Review status: reviewed by expert panel (3 of 4 stars). 14 submissions from 14 submitters: Benign (1). 13 of the submissions do not count toward it. Last evaluated 2015-08-10.

Conditions:
BRCA1-related disorder. Also called: BRCA1-related condition.
Breast and/or ovarian cancer. Identifiers: MedGen CN221562.
Hereditary cancer-predisposing syndrome. Also called: Hereditary Cancer Syndrome; Hereditary neoplastic syndrome; Neoplastic Syndromes, Hereditary; Tumor predisposition. Identifiers: Orphanet 140162, MedGen C0027672, MeSH D009386, MONDO:0015356.
Hereditary breast ovarian cancer syndrome. Also called: BRCA1- and BRCA2-Associated Hereditary Breast and Ovarian Cancer; Hereditary breast and ovarian cancer syndrome; Hereditary breast and ovarian cancer syndrome (HBOC); Breast and ovarian cancer; Hereditary breast and/or ovarian cancer syndrome; Hereditary breast and ovarian cancer. Identifiers: Orphanet 145, MedGen C0677776, MeSH D061325, MONDO:0003582. Disease mechanism: loss of function.
Breast-ovarian cancer, familial, susceptibility to, 1 (BROVCA1). Also called: BRCA1 Hereditary Breast and Ovarian Cancer; OVARIAN CANCER, SUSCEPTIBILITY TO. Identifiers: Orphanet 145, MedGen C2676676, MONDO:0011450, OMIM 604370. Disease mechanism: loss of function.

Allele frequency attached by ClinVar (database versions not stated): ExAC 0.00002; gnomAD 0.00006 and 0.00005; 1000 Genomes Project 30x 0.00031; gnomAD exomes 0.00002; TOPMed 0.00003; ESP Exome Variant Server 0.00008; 1000 Genomes Project 0.00040.
gnomAD v4.1: 36 of 1,613,400 alleles (0.0022%); highest among the groups gnomAD compares: African/African-American, 0.019%; no homozygotes.

Submissions (14):

Evidence-based Network for the Interpretation of Germline Mutant Alleles (ENIGMA)
Classification: Benign for Breast-ovarian cancer, familial 1. Last evaluated: 2015-08-10. Review status: reviewed by expert panel. Criteria: ENIGMA BRCA1/2 Classification Criteria (2015). Collection method: curation. Allele origin: germline.
Comment: IARC class based on posterior probability from multifactorial likelihood analysis, thresholds for class as per Plon et al. 2008 (PMID: 18951446). Class 1 based on posterior probability = 0.0000442

Labcorp Genetics (formerly Invitae), Labcorp
Classification: Likely benign for Hereditary breast ovarian cancer syndrome. Last evaluated: 2025-12-16. Review status: criteria provided, single submitter. Criteria: Invitae Variant Classification Sherloc (09022015). Collection method: clinical testing. Allele origin: germline. Not counted in ClinVar's aggregate classification.

Women's Health and Genetics/Laboratory Corporation of America, LabCorp
Classification: Likely benign. Last evaluated: 2025-02-12. Review status: criteria provided, single submitter. Criteria: LabCorp Variant Classification Summary - May 2015. Collection method: clinical testing. Allele origin: germline. Not counted in ClinVar's aggregate classification.
Comment: Variant summary: BRCA1 c.4046C>T (p.Thr1349Met) results in a non-conservative amino acid change in the encoded protein sequence. Three of five in-silico tools predict a benign effect of the variant on protein function. The variant allele was found at a frequency of 1.8e-05 in 276020 control chromosomes, predominantly at a frequency of 0.00025 within the African or African-American subpopulation in the gnomAD database. The available data on variant occurrences in the general population are insufficient to allow any conclusion about variant significance. c.4046C>T has been reported in the literature in individual(s) from hereditary breast/ovarian cancer families (Judkins_2005, Dong_2021) and an individual affected with Medulloblastoma who also carried a pathogenic variant in the APC gene (c.2805C>G, p.Y935*) (Zhang_2015). These reports do not provide unequivocal conclusions about association of the variant with Hereditary Breast and Ovarian Cancer. Furthermore, databases (LOVD, UMD) and peer-reviewed studies (Momozawa_2018, Zhang_2015, Easton_2007) classify this variant as likely benign/benign/neutral. To our knowledge, no experimental evidence demonstrating an impact on protein function has been reported. The following publications have been ascertained in the context of this evaluation (PMID: 34570441, 17924331, 16267036, 18779604, 21990134, 25348012, 30287823, 26580448). ClinVar contains an entry for this variant (Variation ID: 55085). Based on the evidence outlined above, the variant was classified as likely benign.

All of Us Research Program, National Institutes of Health
Classification: Likely benign for Breast-ovarian cancer, familial, susceptibility to, 1. Last evaluated: 2023-10-02. Review status: criteria provided, single submitter. Criteria: ACMG Guidelines, 2015. Collection method: clinical testing. Allele origin: germline. Inheritance: Autosomal dominant inheritance. Observed: 4 variant alleles, 4 heterozygotes. Not counted in ClinVar's aggregate classification.
Comment: This study involves interpretation of variants in research participants for the purpose of population health screening. Participant phenotype was not available at the time of variant classification. Additional details can be found in publication PMID: 35346344, PMCID: PMC8962531

CHEO Genetics Diagnostic Laboratory, Children's Hospital of Eastern Ontario
Classification: Likely benign for Breast and/or ovarian cancer. Last evaluated: 2022-06-20. Review status: criteria provided, single submitter. Criteria: ACMG Guidelines, 2015. Collection method: clinical testing. Allele origin: germline. Not counted in ClinVar's aggregate classification.

National Health Laboratory Service, Universitas Academic Hospital and University of the Free State
Classification: Benign for Hereditary breast ovarian cancer syndrome. Last evaluated: 2022-04-19. Review status: criteria provided, single submitter. Criteria: ACMG Guidelines, 2015. Collection method: clinical testing. Allele origin: germline. Affected: yes. Observed: 7 variant alleles. Not counted in ClinVar's aggregate classification.

Sema4
Classification: Likely benign for Hereditary cancer-predisposing syndrome. Last evaluated: 2021-08-27. Review status: criteria provided, single submitter. Criteria: Sema4 Curation Guidelines. Collection method: curation. Allele origin: germline. Not counted in ClinVar's aggregate classification.

GeneDx
Classification: Likely benign. Last evaluated: 2017-07-28. Review status: criteria provided, single submitter. Criteria: GeneDx Variant Classification (06012015). Collection method: clinical testing. Allele origin: germline. Affected: yes. Not counted in ClinVar's aggregate classification.
Comment: This variant is considered likely benign or benign based on one or more of the following criteria: it is a conservative change, it occurs at a poorly conserved position in the protein, it is predicted to be benign by multiple in silico algorithms, and/or has population frequency not consistent with disease.

Color Diagnostics, LLC DBA Color Health
Classification: Likely benign for Hereditary cancer-predisposing syndrome. Last evaluated: 2016-11-14. Review status: criteria provided, single submitter. Criteria: ACMG Guidelines, 2015. Collection method: clinical testing. Allele origin: germline. Not counted in ClinVar's aggregate classification.

Ambry Genetics
Classification: Benign for Hereditary cancer-predisposing syndrome. Last evaluated: 2014-11-18. Review status: criteria provided, single submitter. Criteria: Ambry Variant Classification Scheme 2023. Collection method: clinical testing. Allele origin: germline. Not counted in ClinVar's aggregate classification.

PreventionGenetics, part of Exact Sciences
Classification: Likely benign for BRCA1-related condition. Last evaluated: 2020-05-14. Review status: no assertion criteria provided. Collection method: clinical testing. Allele origin: germline. Not counted in ClinVar's aggregate classification.
Comment: This variant is classified as likely benign based on ACMG/AMP sequence variant interpretation guidelines (Richards et al. 2015 PMID: 25741868, with internal and published modifications).

Sharing Clinical Reports Project (SCRP)
Classification: Uncertain significance for Breast-ovarian cancer, familial 1. Last evaluated: 2007-12-11. Review status: no assertion criteria provided. Collection method: clinical testing. Allele origin: germline. Not counted in ClinVar's aggregate classification.

Breast Cancer Information Core (BIC) (BRCA1)
Classification: Uncertain significance for Breast-ovarian cancer, familial 1. Last evaluated: 2002-05-29. Review status: no assertion criteria provided. Collection method: clinical testing. Allele origin: germline. Affected: yes. Observed: 3 variant alleles. Not counted in ClinVar's aggregate classification.

Department of Pathology and Laboratory Medicine, Sinai Health System
Classification: Likely benign. Review status: no assertion criteria provided. Collection method: clinical testing. Allele origin: unknown. Affected: yes. Study: The Canadian Open Genetics Repository (COGR). Not counted in ClinVar's aggregate classification.
Comment: The BRCA1 p.Thr1349Met variant was identified in 4 of 113500 proband chromosomes (frequency: 0.00004) from individuals or families with breast or ovarian cancer (Zhang 2015, Judkins 2005). The variant was also identified in dbSNP (ID: rs80357345) as "With Uncertain significance, other allele", ClinVar (classified as benign by ENIGMA and Ambry Genetics; as likely benign by Invite and GeneDx; as uncertain significance by four submitters), COGR, Cosmic (1x in Large intestine tissue), MutDB, LOVD 3.0 (4x), UMD-LSDB (3x as likely neutral), BIC Database (3x with unknown significance), and in ARUP Laboratories (not pathogenic or of no clinical significance). The variant was not identified in Zhejiang University Database. The variant was identified in control databases in 6 of 276798 chromosomes at a frequency of 0.00002 (Genome Aggregation Database Feb 27, 2017). The variant was observed in the African population in 6 of 24028 chromosomes (freq: 0.0003); it was not observed in the Other, Latino, European Non-Finnish, Ashkenazi Jewish, East Asian, Finnish, and South Asian populations. The p.Thr1349 residue is not conserved in mammals and computational analyses (PolyPhen-2, SIFT, AlignGVGD, BLOSUM, MutationTaster) provide inconsistent predictions regarding the impact to the protein; this information is not very predictive of pathogenicity. The variant occurs outside of the splicing consensus sequence and in silico or computational prediction software programs (SpliceSiteFinder, MaxEntScan, NNSPLICE, GeneSplicer) do not predict a difference in splicing. In Multifactorial probability-based model and Systematic Genetic Assessment for classification the variant was found to have posterior probability of being deleterious -4.42 âˆšÃ³ 10â€šÃ„Ã¬5 with odds in favor of neutrality 462 (Lindor 2011, Easton 2007). In summary, based on the above information the clinical significance of this variant cannot be determined with certainty at this time although we would lean towards a more benign role for this variant. This variant is classified as likely benign.

Literature cited by the submitters: PubMed 21990134 (cited by 3 submitters); PubMed 16267036 (cited by Women's Health and Genetics/Laboratory Corporation of America, LabCorp and Sema4); PubMed 17924331 (cited by Women's Health and Genetics/Laboratory Corporation of America, LabCorp and Sema4); PubMed 18779604 (cited by Women's Health and Genetics/Laboratory Corporation of America, LabCorp); PubMed 25348012 (cited by Women's Health and Genetics/Laboratory Corporation of America, LabCorp); PubMed 26580448 (cited by Women's Health and Genetics/Laboratory Corporation of America, LabCorp and Sema4); PubMed 30287823 (cited by Women's Health and Genetics/Laboratory Corporation of America, LabCorp and Sema4); PubMed 34570441 (cited by Women's Health and Genetics/Laboratory Corporation of America, LabCorp); DOI 10.3389/fgene.2022.834265 (cited by National Health Laboratory Service, Universitas Academic Hospital and University of the Free State); PubMed 33471991 (cited by Sema4).

NM_007294.4(BRCA1):c.4046C>T (p.Thr1349Met)

Genes: BRCA1 (BRCA1 DNA repair associated; minus strand), LOC126862571 (BRD4-independent group 4 enhancer GRCh37_chr17:41243136-41244335; plus strand). Cytogenetic location: 17q21.31.
Variant type: single nucleotide variant.
Coding change: c.4046C>T on transcript NM_007294.4 (MANE Select); coding-DNA position 4046, C replaced by T.
Protein change: p.Thr1349Met; replaces threonine 1349 with methionine.
Molecular consequence: missense variant. On other transcripts: intron variant (135).
Genome position (GRCh38, 1-based): chr17:43,091,485, G>A on the plus strand (C>T on the coding strand, the complement: BRCA1 is on the minus strand). VCF-style: chr17-43091485-G-A. GRCh37 (hg19) VCF-style: chr17-41243502-G-A.
Other names: p.T1349M:ACG>ATG; 4165C>T; NP_009225.1:p.Thr1349Met; c.3902C>T, p.Thr1301Met (NM_001407745.1, NM_001407746.1, NM_001407747.1 and 20 more transcripts); c.3905C>T, p.Thr1302Met (NM_001407750.1, NM_001407751.1, NM_001407752.1 and 29 more transcripts); c.3833C>T, p.Thr1278Met (NM_001407853.1, NM_001407894.1, NM_001407895.1 and 9 more transcripts); c.4046C>T, p.Thr1349Met (NM_001407854.1, NM_001407858.1, NM_001407859.1 and 30 more transcripts); c.4043C>T, p.Thr1348Met (NM_001407860.1, NM_001407861.1, NM_001407587.1 and 22 more transcripts); and 44 more; short protein forms T1349M, T1302M, T1237M, T1278M, T1301M, T1221M, T1261M, T1279M.
Identifiers: ClinVar variation 55085 (VCV000055085.50), dbSNP rs80357345, ClinGen allele CA002584.
Genomic context (GRCh38, chr17:43,091,485, plus strand): 5'-GTTCCAATACCTAAGTTTGAATCCATGCTTTGCTCTTCTTGATTATTTTCTTCCAAGCCC[G>A]TTCCTCTTTCTTCATCATCTGAAACCAATTCCTTGTCACTCAGACCAACTCCCTGGCTTT-3'
Protein context (NP_009225.1, residues 1339-1359): ELVSDDEERG[Thr1349Met]GLEENNQEEQ